The following is an entry in ClinVar:

NM_014806.5(RUSC2):c.3658G>A (p.Val1220Met)

Gene: RUSC2 (RUN and SH3 domain containing 2; plus strand). Cytogenetic location: 9p13.3.
Variant type: single nucleotide variant.
Coding change: c.3658G>A on transcript NM_014806.5 (MANE Select); coding-DNA position 3658, G replaced by A.
Protein change: p.Val1220Met; replaces valine 1220 with methionine.
Molecular consequence: missense variant. On other transcripts: non-coding transcript variant (1).
Genome position (GRCh38, 1-based): chr9:35,560,298, G>A. VCF-style: chr9-35560298-G-A. GRCh37 (hg19) VCF-style: chr9-35560295-G-A.
Other names: c.3658G>A, p.Val1220Met (NM_001135999.2); c.1024G>A, p.Val342Met (NM_001330740.2); short protein forms V342M, V1220M.
Identifiers: ClinVar variation 3676764 (VCV003676764.2).
Genomic context (GRCh38, chr9:35,560,298, plus strand): 5'-CTGTCTGCCCACTCCACGCTGCAGCTGGCCCGGGCCCGGGGCCAGGAGGGCCCTGGAGAC[G>A]TGGACAGGGCAGCCCAAGGGGAGCGGGTGAAGGGTGTGGGTGCCTCAGAAGGTGGAGAAG-3'
Protein context (NP_055621.2, residues 1210-1230): RARGQEGPGD[Val1220Met]DRAAQGERVK

ClinVar aggregate classification (germline): Uncertain significance (1 of 4 stars; one submission).

gnomAD v4.1: 20 of 1,597,372 alleles (0.0013%); highest among the groups gnomAD compares: Non-Finnish European, 0.0015%; no homozygotes.

Submission:

Labcorp Genetics (formerly Invitae), Labcorp
Classification: Uncertain significance. Last evaluated: 2024-09-10. Review status: criteria provided, single submitter. Criteria: Invitae Variant Classification Sherloc (09022015). Collection method: clinical testing. Allele origin: germline.
Comment: This sequence change replaces valine, which is neutral and non-polar, with methionine, which is neutral and non-polar, at codon 1220 of the RUSC2 protein (p.Val1220Met). The frequency data for this variant in the population databases is considered unreliable, as metrics indicate poor data quality at this position in the gnomAD database. This variant has not been reported in the literature in individuals affected with RUSC2-related conditions. An algorithm developed to predict the effect of missense changes on protein structure and function outputs the following: PolyPhen-2: "Benign". The methionine amino acid residue is found in multiple mammalian species, which suggests that this missense change does not adversely affect protein function. In summary, the available evidence is currently insufficient to determine the role of this variant in disease. Therefore, it has been classified as a Variant of Uncertain Significance.